The following is an entry in ClinVar:

NM_000439.5(PCSK1):c.846G>A (p.Arg282=)

Genes: CAST (calpastatin; plus strand), PCSK1 (proprotein convertase subtilisin/kexin type 1; minus strand), LOC101929710 (uncharacterized LOC101929710; plus strand). Cytogenetic location: 5q15.
Variant type: single nucleotide variant.
Coding change: c.846G>A on transcript NM_000439.5 (MANE Select); coding-DNA position 846, G replaced by A.
Protein change: p.Arg282=; no amino-acid change (arginine 282 retained).
Molecular consequence: synonymous variant. On other transcripts: intron variant (11).
Genome position (GRCh38, 1-based): chr5:96,412,354, C>T on the plus strand (G>A on the coding strand, the complement: PCSK1 is on the minus strand). VCF-style: chr5-96412354-C-T. GRCh37 (hg19) VCF-style: chr5-95748058-C-T.
Other names: c.705G>A, p.Arg235= (NM_001177875.2); c.-175+32702C>T (NM_001423254.1, NM_001423259.1, NM_001423255.1 and 6 more transcripts); c.-103+32702C>T (NM_001423253.1); c.-40+32702C>T (NM_001423258.1).
Identifiers: ClinVar variation 4983949 (VCV004983949.1).
Genomic context (GRCh38, chr5:96,412,354, plus strand): 5'-GTGGGTCTGTGTAAAGCATCTTACCTGTTTGACACCATATTCAAAAGCCTTCTGGGCTAG[C>T]CGGCCAGGCCCCTCCACAGTTTTCCCATCATCATTAGGGCCCCAGCTTGCACTGTAAATA-3'
Protein context (NP_000430.3, residues 272-292): DDGKTVEGPG[Arg282=]LAQKAFEYGV

ClinVar aggregate classification (germline): Likely benign (1 of 4 stars; one submission).

Conditions:
PCSK1-related disorder. Also called: PCSK1-related condition.

gnomAD v4.1: 1 of 1,614,178 alleles (0.000062%); highest among the groups gnomAD compares: Non-Finnish European, 0.000085%; no homozygotes.

Submission:

PreventionGenetics, part of Exact Sciences
Classification: Likely benign for PCSK1-related condition. Last evaluated: 2026-09-16. Review status: criteria provided, single submitter. Criteria: ACMG Guidelines, 2015. Collection method: clinical testing. Allele origin: germline.
Comment: This variant is classified as likely benign based on ACMG/AMP sequence variant interpretation guidelines (Richards et al. 2015 PMID: 25741868, with internal and published modifications).